The following is an entry in ClinVar:

ClinVar aggregate classification (germline): Uncertain significance (1 of 4 stars; one submission).

Conditions:
Autosomal recessive limb-girdle muscular dystrophy type 2P. Also called: Limb-Girdle Muscular Dystrophy Type 9C; MUSCULAR DYSTROPHY, LIMB-GIRDLE, TYPE 2P; MUSCULAR DYSTROPHY-DYSTROGLYCANOPATHY, LIMB-GIRDLE, DAG1-RELATED. Identifiers: Orphanet 280333, MedGen C4511963, MONDO:0013440, OMIM 613818.
Muscular dystrophy-dystroglycanopathy (congenital with brain and eye anomalies), type A9. Also called: WALKER-WARBURG SYNDROME OR MUSCLE-EYE BRAIN DISEASE, DAG1-RELATED; Muscular dystrophy-dystroglycanopathy (congenital with brain and eye anomalies), type a, 9. Identifiers: Orphanet 370997, Orphanet 899, MedGen C4225291, MONDO:0014683, OMIM 616538.

Submission:

Labcorp Genetics (formerly Invitae), Labcorp
Classification: Uncertain significance for Autosomal recessive limb-girdle muscular dystrophy type 2P; Muscular dystrophy-dystroglycanopathy (congenital with brain and eye anomalies), type A9. Last evaluated: 2021-08-21. Review status: criteria provided, single submitter. Criteria: Invitae Variant Classification Sherloc (09022015). Collection method: clinical testing. Allele origin: germline.
Comment: This variant has not been reported in the literature in individuals affected with DAG1-related conditions. This variant is not present in population databases (ExAC no frequency). This sequence change replaces aspartic acid with histidine at codon 639 of the DAG1 protein (p.Asp639His). The aspartic acid residue is highly conserved and there is a moderate physicochemical difference between aspartic acid and histidine. Algorithms developed to predict the effect of missense changes on protein structure and function are either unavailable or do not agree on the potential impact of this missense change (SIFT: "Deleterious"; PolyPhen-2: "Probably Damaging"; Align-GVGD: "Class C0"). In summary, the available evidence is currently insufficient to determine the role of this variant in disease. Therefore, it has been classified as a Variant of Uncertain Significance.

NM_004393.6(DAG1):c.1915G>C (p.Asp639His)

Gene: DAG1 (dystroglycan 1; plus strand). Cytogenetic location: 3p21.31.
Variant type: single nucleotide variant.
Coding change: c.1915G>C on transcript NM_004393.6 (MANE Select); coding-DNA position 1915, G replaced by C.
Protein change: p.Asp639His; replaces aspartic acid 639 with histidine.
Molecular consequence: missense variant.
Genome position (GRCh38, 1-based): chr3:49,532,426, G>C. VCF-style: chr3-49532426-G-C. GRCh37 (hg19) VCF-style: chr3-49569859-G-C.
Other names: c.1915G>C, p.Asp639His (NM_001165928.4, NM_001177634.3, NM_001177635.3 and 9 more transcripts); short protein forms D639H.
Identifiers: ClinVar variation 1347828 (VCV001347828.6), dbSNP rs2107946219, ClinGen allele CA352796420.